The following is an entry in ClinVar:

NM_024809.5(TCTN2):c.588G>A (p.Thr196=)

Gene: TCTN2 (tectonic family member 2; plus strand). Cytogenetic location: 12q24.31.
Variant type: single nucleotide variant.
Coding change: c.588G>A on transcript NM_024809.5 (MANE Select); coding-DNA position 588, G replaced by A.
Protein change: p.Thr196=; no amino-acid change (threonine 196 retained).
Molecular consequence: synonymous variant.
Genome position (GRCh38, 1-based): chr12:123,686,859, G>A. VCF-style: chr12-123686859-G-A. GRCh37 (hg19) VCF-style: chr12-124171406-G-A.
Other names: c.585G>A, p.Thr195= (NM_001143850.3).
Identifiers: ClinVar variation 307549 (VCV000307549.18), dbSNP rs201545344, ClinGen allele CA6860938.

ClinVar aggregate classification (germline): Conflicting classifications of pathogenicity. Review status: criteria provided, conflicting classifications (1 of 4 stars). 5 submissions from 4 submitters: Uncertain significance (2); Likely benign (2). 1 of the submissions does not count toward it. Last evaluated 2026-01-09.

Conditions:
TCTN2-related disorder. Also called: TCTN2-related disorders; TCTN2-related condition. Identifiers: MedGen CN239412.
Joubert syndrome 24 (JBTS24). Identifiers: Orphanet 475, MedGen C4084841, MONDO:0014724, OMIM 616654.
Meckel syndrome, type 8. Identifiers: Orphanet 564, MedGen C3836857, MONDO:0013482, OMIM 613885.
Meckel-Gruber syndrome. Also called: GRUBER SYNDROME; DYSENCEPHALIA SPLANCHNOCYSTICA; Dysencephalia splachnocystica. Identifiers: Orphanet 564, MedGen C0265215, MONDO:0018921.
Joubert syndrome. Also called: JOUBERT-BOLTSHAUSER SYNDROME; Familial aplasia of the vermis. Identifiers: Orphanet 475, MedGen C5979921, MONDO:0018772.

Allele frequency attached by ClinVar (database versions not stated): gnomAD exomes 0.00007 and 0.00018; gnomAD 0.00011 and 0.00012; ExAC 0.00012; TOPMed 0.00013; ESP Exome Variant Server 0.00015; 1000 Genomes Project 30x 0.00031; 1000 Genomes Project 0.00040.
gnomAD v4.1: 270 of 1,614,120 alleles (0.017%); highest among the groups gnomAD compares: Non-Finnish European, 0.022%; no homozygotes.

Submissions (5):

Labcorp Genetics (formerly Invitae), Labcorp
Classification: Likely benign for Joubert syndrome; Meckel-Gruber syndrome. Last evaluated: 2026-01-09. Review status: criteria provided, single submitter. Criteria: Invitae Variant Classification Sherloc (09022015). Collection method: clinical testing. Allele origin: germline.

Blueprint Genetics
Classification: Likely benign. Last evaluated: 2023-10-27. Review status: criteria provided, single submitter. Criteria: ACMG Guidelines, 2015. Collection method: clinical testing. Allele origin: germline.

Illumina Laboratory Services, Illumina
Classification: Uncertain significance for Joubert syndrome 24. Last evaluated: 2018-01-12. Review status: criteria provided, single submitter. Criteria: ICSL Variant Classification Criteria 13 December 2019. Collection method: clinical testing. Allele origin: germline.

Illumina Laboratory Services, Illumina
Classification: Uncertain significance for Meckel syndrome, type 8. Last evaluated: 2018-01-12. Review status: criteria provided, single submitter. Criteria: ICSL Variant Classification Criteria 13 December 2019. Collection method: clinical testing. Allele origin: germline.

PreventionGenetics, part of Exact Sciences
Classification: Likely benign for TCTN2-related condition. Last evaluated: 2019-05-13. Review status: no assertion criteria provided. Collection method: clinical testing. Allele origin: germline. Not counted in ClinVar's aggregate classification.
Comment: This variant is classified as likely benign based on ACMG/AMP sequence variant interpretation guidelines (Richards et al. 2015 PMID: 25741868, with internal and published modifications).